The following is an entry in ClinVar:

ClinVar aggregate classification (germline): Uncertain significance (1 of 4 stars; one submission).

Submission:

Labcorp Genetics (formerly Invitae), Labcorp
Classification: Uncertain significance. Last evaluated: 2024-11-18. Review status: criteria provided, single submitter. Criteria: Invitae Variant Classification Sherloc (09022015). Collection method: clinical testing. Allele origin: germline.
Comment: This sequence change replaces glutamic acid, which is acidic and polar, with lysine, which is basic and polar, at codon 736 of the RNF31 protein (p.Glu736Lys). This variant is not present in population databases (gnomAD no frequency). This variant has not been reported in the literature in individuals affected with RNF31-related conditions. ClinVar contains an entry for this variant (Variation ID: 2003234). An algorithm developed to predict the effect of missense changes on protein structure and function (PolyPhen-2) suggests that this variant is likely to be disruptive. In summary, the available evidence is currently insufficient to determine the role of this variant in disease. Therefore, it has been classified as a Variant of Uncertain Significance.

NM_017999.5(RNF31):c.2206G>A (p.Glu736Lys)

Gene: RNF31 (ring finger protein 31; plus strand). Cytogenetic location: 14q12.
Variant type: single nucleotide variant.
Coding change: c.2206G>A on transcript NM_017999.5 (MANE Select); coding-DNA position 2206, G replaced by A.
Protein change: p.Glu736Lys; replaces glutamic acid 736 with lysine.
Molecular consequence: missense variant.
Genome position (GRCh38, 1-based): chr14:24,155,232, G>A. VCF-style: chr14-24155232-G-A. GRCh37 (hg19) VCF-style: chr14-24624441-G-A.
Other names: c.1753G>A, p.Glu585Lys (NM_001310332.2); short protein forms E736K, E585K.
Identifiers: ClinVar variation 2003234 (VCV002003234.4), dbSNP rs2502014228, ClinGen allele CA389301539.